The following is an entry in ClinVar:

NM_000540.3(RYR1):c.9969C>T (p.Ile3323=)

Gene: RYR1 (ryanodine receptor 1; plus strand). Cytogenetic location: 19q13.2.
Variant type: single nucleotide variant.
Coding change: c.9969C>T on transcript NM_000540.3 (MANE Select); coding-DNA position 9969, C replaced by T.
Protein change: p.Ile3323=; no amino-acid change (isoleucine 3323 retained).
Molecular consequence: synonymous variant.
Genome position (GRCh38, 1-based): chr19:38,517,642, C>T. VCF-style: chr19-38517642-C-T. GRCh37 (hg19) VCF-style: chr19-39008282-C-T.
Other names: c.9969C>T, p.Ile3323= (NM_001042723.2).
Identifiers: ClinVar variation 700506 (VCV000700506.32), dbSNP rs763503192, ClinGen allele CA074366.

ClinVar aggregate classification (germline): Likely benign. Review status: criteria provided, multiple submitters, no conflicts (2 of 4 stars). 3 submissions from 3 submitters: Likely benign (3). Last evaluated 2025-11-01.

Conditions:
RYR1-related disorder. Also called: RYR1-related disorders; RYR1-related condition. Identifiers: MedGen CN239331.
Malignant hyperthermia, susceptibility to, 1 (MHS1). Also called: Anesthesia related hyperthermia; Malignant hyperpyrexia; Fulminating hyperpyrexia; Pharmacogenic myopathy; RYR1-Related Malignant Hyperthermia Susceptibility; Malignant hyperthermia suceptibility 1. Identifiers: Orphanet 423, MedGen C2930980, MONDO:0007783, OMIM 145600.

Allele frequency attached by ClinVar (database versions not stated): TOPMed below 0.00001.
gnomAD v4.1: 16 of 1,614,056 alleles (0.00099%); highest among the groups gnomAD compares: South Asian, 0.0066%; no homozygotes.

Submissions (3):

Labcorp Genetics (formerly Invitae), Labcorp
Classification: Likely benign for RYR1-related disorder. Last evaluated: 2025-11-01. Review status: criteria provided, single submitter. Criteria: Invitae Variant Classification Sherloc (09022015). Collection method: clinical testing. Allele origin: germline.

Color Diagnostics, LLC DBA Color Health
Classification: Likely benign for Malignant hyperthermia, susceptibility to, 1. Last evaluated: 2022-11-06. Review status: criteria provided, single submitter. Criteria: ACMG Guidelines, 2015. Collection method: clinical testing. Allele origin: germline.

CeGaT Center for Human Genetics Tuebingen
Classification: Likely benign. Last evaluated: 2022-06-01. Review status: criteria provided, single submitter. Criteria: CeGaT Center For Human Genetics Tuebingen Variant Classification Criteria Version 2. Collection method: clinical testing. Allele origin: germline. Affected: yes. Observed: 1 variant allele.
Comment: RYR1: BP4, BP7